The following is an entry in ClinVar:

ClinVar aggregate classification (germline): Uncertain significance. Review status: criteria provided, multiple submitters, no conflicts (2 of 4 stars). 5 submissions from 5 submitters: Uncertain significance (5). Last evaluated 2025-12-08.

Conditions:
Hereditary cancer-predisposing syndrome. Also called: Neoplastic Syndromes, Hereditary; Tumor predisposition; Hereditary Cancer Syndrome; Hereditary neoplastic syndrome. Identifiers: Orphanet 140162, MedGen C0027672, MeSH D009386, MONDO:0015356.
Nijmegen breakage syndrome-like disorder (NBSLD). Also called: MICROCEPHALY AND SPONTANEOUS CHROMOSOME INSTABILITY WITHOUT IMMUNODEFICIENCY; NBS-LIKE DISORDER; RAD50 DEFICIENCY. Identifiers: Orphanet 240760, MedGen C2751318, MONDO:0013118, OMIM 613078.

Allele frequency attached by ClinVar (database versions not stated): TOPMed below 0.00001.

Submissions (5):

Labcorp Genetics (formerly Invitae), Labcorp
Classification: Uncertain significance for Hereditary cancer-predisposing syndrome. Last evaluated: 2025-12-08. Review status: criteria provided, single submitter. Criteria: Invitae Variant Classification Sherloc (09022015). Collection method: clinical testing. Allele origin: germline.
Comment: This sequence change replaces aspartic acid, which is acidic and polar, with glutamic acid, which is acidic and polar, at codon 1272 of the RAD50 protein (p.Asp1272Glu). This variant is not present in population databases (gnomAD no frequency). This variant has not been reported in the literature in individuals affected with RAD50-related conditions. ClinVar contains an entry for this variant (Variation ID: 651404). Invitae Evidence Modeling of protein sequence and biophysical properties (such as structural, functional, and spatial information, amino acid conservation, physicochemical variation, residue mobility, and thermodynamic stability) indicates that this missense variant is not expected to disrupt RAD50 protein function with a negative predictive value of 80%. In summary, the available evidence is currently insufficient to determine the role of this variant in disease. Therefore, it has been classified as a Variant of Uncertain Significance.

Quest Diagnostics Nichols Institute San Juan Capistrano
Classification: Uncertain significance. Last evaluated: 2025-05-16. Review status: criteria provided, single submitter. Criteria: Quest Diagnostics criteria. Collection method: clinical testing. Allele origin: unknown.
Comment: The RAD50 c.3816T>G (p.Asp1272Glu) variant has not been reported in individuals with RAD50-related conditions in the published literature. It also has not been reported in large, multi-ethnic general populations (Genome Aggregation Database). Analysis of this variant using bioinformatics tools for the prediction of the effect of amino acid changes on protein structure and function yielded predictions that this variant is benign. Based on the available information, we are unable to determine the clinical significance of this variant.

Women's Health and Genetics/Laboratory Corporation of America, LabCorp
Classification: Uncertain significance. Last evaluated: 2024-11-13. Review status: criteria provided, single submitter. Criteria: LabCorp Variant Classification Summary - May 2015. Collection method: clinical testing. Allele origin: germline.

Ambry Genetics
Classification: Uncertain significance for Hereditary cancer-predisposing syndrome. Last evaluated: 2024-10-25. Review status: criteria provided, single submitter. Criteria: Ambry Variant Classification Scheme 2023. Collection method: clinical testing. Allele origin: germline.
Comment: The p.D1272E variant (also known as c.3816T>G), located in coding exon 25 of the RAD50 gene, results from a T to G substitution at nucleotide position 3816. The aspartic acid at codon 1272 is replaced by glutamic acid, an amino acid with highly similar properties. This amino acid position is highly conserved in available vertebrate species. In addition, the in silico prediction for this alteration is inconclusive. Since supporting evidence is limited at this time, the clinical significance of this alteration remains unclear.

Baylor Genetics
Classification: Uncertain significance for Nijmegen breakage syndrome-like disorder. Last evaluated: 2024-02-06. Review status: criteria provided, single submitter. Criteria: ACMG Guidelines, 2015. Collection method: clinical testing. Allele origin: unknown.

NM_005732.4(RAD50):c.3816T>G (p.Asp1272Glu)

Genes: RAD50 (RAD50 double strand break repair protein; plus strand), TH2LCRR (T helper type 2 locus control region associated RNA; minus strand). Cytogenetic location: 5q31.1.
Variant type: single nucleotide variant.
Coding change: c.3816T>G on transcript NM_005732.4 (MANE Select); coding-DNA position 3816, T replaced by G.
Protein change: p.Asp1272Glu; replaces aspartic acid 1272 with glutamic acid.
Molecular consequence: missense variant. On other transcripts: non-coding transcript variant (1).
Genome position (GRCh38, 1-based): chr5:132,642,241, T>G. VCF-style: chr5-132642241-T-G. GRCh37 (hg19) VCF-style: chr5-131977933-T-G.
Other names: short protein forms D1272E.
Identifiers: ClinVar variation 651404 (VCV000651404.17), dbSNP rs1581025045, ClinGen allele CA360936601.